The following is an entry in ClinVar:

ClinVar aggregate classification (germline): Uncertain significance (1 of 4 stars; one submission).

Conditions:
Benign neonatal seizures. Also called: Benign neonatal familial convulsions; Benign familial neonatal epilepsy; Benign familial neonatal seizures; Convulsions benign familial neonatal dominant form; Autosomal dominant form of benign neonatal seizures. Identifiers: Orphanet 1949, MedGen C0220669, MONDO:0016027.

Submission:

Labcorp Genetics (formerly Invitae), Labcorp
Classification: Uncertain significance for Benign neonatal seizures. Last evaluated: 2023-04-12. Review status: criteria provided, single submitter. Criteria: Invitae Variant Classification Sherloc (09022015). Collection method: clinical testing. Allele origin: germline.
Comment: This variant is not present in population databases (gnomAD no frequency). In summary, the available evidence is currently insufficient to determine the role of this variant in disease. Therefore, it has been classified as a Variant of Uncertain Significance. Advanced modeling of protein sequence and biophysical properties (such as structural, functional, and spatial information, amino acid conservation, physicochemical variation, residue mobility, and thermodynamic stability) performed at Invitae indicates that this missense variant is not expected to disrupt KCNQ3 protein function. This variant has not been reported in the literature in individuals affected with KCNQ3-related conditions. This sequence change replaces isoleucine, which is neutral and non-polar, with leucine, which is neutral and non-polar, at codon 267 of the KCNQ3 protein (p.Ile267Leu).

NM_004519.4(KCNQ3):c.799A>C (p.Ile267Leu)

Gene: KCNQ3 (potassium voltage-gated channel subfamily Q member 3; minus strand). Cytogenetic location: 8q24.22.
Variant type: single nucleotide variant.
Coding change: c.799A>C on transcript NM_004519.4 (MANE Select); coding-DNA position 799, A replaced by C.
Protein change: p.Ile267Leu; replaces isoleucine 267 with leucine.
Molecular consequence: missense variant.
Genome position (GRCh38, 1-based): chr8:132,175,587, T>G on the plus strand (A>C on the coding strand, the complement: KCNQ3 is on the minus strand). VCF-style: chr8-132175587-T-G. GRCh37 (hg19) VCF-style: chr8-133187834-T-G.
Other names: c.439A>C, p.Ile147Leu (NM_001204824.2); short protein forms I147L, I267L.
Identifiers: ClinVar variation 2855566 (VCV002855566.3), dbSNP rs2536944317, ClinGen allele CA372290586.